The following is an entry in ClinVar:

NM_001386298.1(CIC):c.1183A>G (p.Thr395Ala)

Gene: CIC (capicua transcriptional repressor; plus strand). Cytogenetic location: 19q13.2.
Variant type: single nucleotide variant.
Coding change: c.1183A>G on transcript NM_001386298.1 (MANE Select); coding-DNA position 1183, A replaced by G.
Protein change: p.Thr395Ala; replaces threonine 395 with alanine.
Molecular consequence: missense variant.
Genome position (GRCh38, 1-based): chr19:42,272,966, A>G. VCF-style: chr19-42272966-A-G. GRCh37 (hg19) VCF-style: chr19-42777118-A-G.
Other names: c.1183A>G, p.Thr395Ala (NM_001304815.2, NM_001379480.1, NM_001379482.1 and 6 more transcripts); short protein forms T395A.
Identifiers: ClinVar variation 4846996 (VCV004846996.1).

ClinVar aggregate classification (germline): Uncertain significance (1 of 4 stars; one submission).

Conditions:
Intellectual developmental disorder, autosomal dominant 45. Also called: MENTAL RETARDATION, AUTOSOMAL DOMINANT 45; Intellectual disability, autosomal dominant 45. Identifiers: MedGen C4539848, MONDO:0030910, OMIM 617600.

Submission:

Laboratorio de Genetica e Diagnostico Molecular, Hospital Israelita Albert Einstein
Classification: Uncertain significance for Intellectual developmental disorder, autosomal dominant 45. Last evaluated: 2025-07-07. Review status: criteria provided, single submitter. Criteria: ACMG Guidelines, 2015. Collection method: clinical testing. Allele origin: germline. Affected: yes.
Comment: ACMG classification criteria: PM2 supporting, BP4 supporting